The following is an entry in ClinVar:

ClinVar aggregate classification (germline): Uncertain significance (1 of 4 stars; one submission).

Submission:

Ambry Genetics
Classification: Uncertain significance. Last evaluated: 2026-08-31. Review status: criteria provided, single submitter. Criteria: Ambry Variant Classification Scheme 2023. Collection method: clinical testing. Allele origin: germline.
Comment: The p.K297Q variant (also known as c.889A>C), located in coding exon 9 of the SRP72 gene, results from an A to C substitution at nucleotide position 889. The lysine at codon 297 is replaced by glutamine, an amino acid with similar properties. This amino acid position is conserved. In addition, the in silico prediction for this alteration is inconclusive. Based on the available evidence, the clinical significance of this variant remains unclear.

NM_006947.4(SRP72):c.889A>C (p.Lys297Gln)

Gene: SRP72 (signal recognition particle 72; plus strand). Cytogenetic location: 4q12.
Variant type: single nucleotide variant.
Coding change: c.889A>C on transcript NM_006947.4 (MANE Select); coding-DNA position 889, A replaced by C.
Protein change: p.Lys297Gln; replaces lysine 297 with glutamine.
Molecular consequence: missense variant. On other transcripts: non-coding transcript variant (1).
Genome position (GRCh38, 1-based): chr4:56,483,202, A>C. VCF-style: chr4-56483202-A-C. GRCh37 (hg19) VCF-style: chr4-57349368-A-C.
Other names: c.706A>C, p.Lys236Gln (NM_001267722.2); short protein forms K297Q, K236Q.
Identifiers: ClinVar variation 5030265 (VCV005030265.1).
Genomic context (GRCh38, chr4:56,483,202, plus strand): 5'-CAAAATGTCTTTGACTCCAAGAAGAAAGTGAAATTAACCAATGCGGAAGGAGTAGAGTTT[A>C]AGCTTTCCAAGAAACAACTACAAGCTATAGAATTTAACAAAGCTTTACTTGCTATGTACA-3'
Protein context (NP_008878.3, residues 287-307): KLTNAEGVEF[Lys297Gln]LSKKQLQAIE